The following is an entry in ClinVar:

NM_006005.3(WFS1):c.2486T>C (p.Leu829Pro)

Gene: WFS1 (wolframin ER transmembrane glycoprotein; plus strand). Cytogenetic location: 4p16.1.
Variant type: single nucleotide variant.
Coding change: c.2486T>C on transcript NM_006005.3 (MANE Select); coding-DNA position 2486, T replaced by C.
Protein change: p.Leu829Pro; replaces leucine 829 with proline.
Molecular consequence: missense variant.
Genome position (GRCh38, 1-based): chr4:6,302,281, T>C. VCF-style: chr4-6302281-T-C. GRCh37 (hg19) VCF-style: chr4-6304008-T-C.
Other names: c.2486T>C, p.Leu829Pro (NM_001145853.1); short protein forms L829P.
Identifiers: ClinVar variation 4521 (VCV000004521.23), dbSNP rs104893883, ClinGen allele CA253199.

ClinVar aggregate classification (germline): Pathogenic/Likely pathogenic. Review status: criteria provided, multiple submitters, no conflicts (2 of 4 stars). 9 submissions from 9 submitters: Pathogenic (3); Likely pathogenic (5). 1 of the submissions does not count toward it. Last evaluated 2026-09-21.

Conditions:
WFS1-related disorder. Identifiers: MedGen CN379391, MONDO:0700293.
Inborn genetic diseases. Identifiers: MedGen C0950123, MeSH D030342.
Wolfram-like syndrome. Also called: HEARING LOSS, PROGRESSIVE, WITH OPTIC ATROPHY AND/OR IMPAIRED GLUCOSE REGULATION. Identifiers: Orphanet 411590, MedGen C3280358, MONDO:0013673, OMIM 614296.
Cataract 41 (CTRCT41). Also called: CATARACT 41, CONGENITAL NUCLEAR TYPE. Identifiers: Orphanet 91492, Orphanet 98991, Orphanet 98992, Orphanet 98995, MedGen C3805412, MONDO:0007287, OMIM 116400.
Type 2 diabetes mellitus. Also called: Type II diabetes mellitus. Identifiers: MedGen C0011860, MeSH D003924, MONDO:0005148, OMIM 125853, HP:0005978.
Autosomal dominant nonsyndromic hearing loss 6 (LFSNHL). Also called: Autosomal dominant nonsyndromic deafness 6; DEAFNESS, AUTOSOMAL DOMINANT 14; DEAFNESS, AUTOSOMAL DOMINANT 38; DEAFNESS, AUTOSOMAL DOMINANT 6. Identifiers: Orphanet 90635, MedGen C1833021, MONDO:0010963, OMIM 600965.
Wolfram syndrome 1 (WFS1). Identifiers: Orphanet 3463, MedGen C4551693, MONDO:0009101, OMIM 222300.

Allele frequency attached by ClinVar (database versions not stated): TOPMed 0.00001.

Submissions (9):

PreventionGenetics, part of Exact Sciences
Classification: Likely pathogenic for WFS1-related condition. Last evaluated: 2026-09-21. Review status: criteria provided, single submitter. Criteria: ACMG Guidelines, 2015. Collection method: clinical testing. Allele origin: germline.
Comment: The WFS1 c.2486T>C variant is predicted to result in the amino acid substitution p.Leu829Pro. This variant was reported to segregate in the heterozygous state with low frequency sensorineural hearing loss in 9 affected and 6 unaffected individuals from a single family (Bespalova et al. 2001. PubMed ID: 11709537) and was also reported in other individuals with hearing loss (Fukuoka et al. 2007. PubMed ID: 17492394; Table S3, Sloan-Heggen et al. 2016. PubMed ID: 26969326). This variant was also reported along with a variant of uncertain significance in two siblings with sensorineural hearing loss and optic atrophy, and was inherited from the father with hearing loss (Lusk et al. 2019. PubMed ID: 31363008). This variant has not been reported in a large population database (gnomAD), indicating this variant is rare. This variant is interpreted as likely pathogenic.

Labcorp Genetics (formerly Invitae), Labcorp
Classification: Pathogenic. Last evaluated: 2025-07-30. Review status: criteria provided, single submitter. Criteria: Invitae Variant Classification Sherloc (09022015). Collection method: clinical testing. Allele origin: germline.
Comment: This sequence change replaces leucine, which is neutral and non-polar, with proline, which is neutral and non-polar, at codon 829 of the WFS1 protein (p.Leu829Pro). This variant is not present in population databases (gnomAD no frequency). This missense change has been observed in individuals with autosomal dominant deafness or clinical features of autosomal recessive Wolfram syndrome (PMID: 11709537, 17492394, 31363008). It has also been observed to segregate with disease in related individuals. ClinVar contains an entry for this variant (Variation ID: 4521). Invitae Evidence Modeling of protein sequence and biophysical properties (such as structural, functional, and spatial information, amino acid conservation, physicochemical variation, residue mobility, and thermodynamic stability) indicates that this missense variant is expected to disrupt WFS1 protein function with a positive predictive value of 95%. For these reasons, this variant has been classified as Pathogenic.

GeneDx
Classification: Pathogenic. Last evaluated: 2025-04-15. Review status: criteria provided, single submitter. Criteria: GeneDx Variant Classification Process June 2021. Collection method: clinical testing. Allele origin: germline. Affected: yes.
Comment: Not observed at significant frequency in large population cohorts (gnomAD); In silico analysis supports that this missense variant has a deleterious effect on protein structure/function; This variant is associated with the following publications: (PMID: 12650912, 20738327, 12955714, 12707188, 12707187, 18776598, 17492394, 19877185, 12181639, 31363008, 11709537, 37121227, 36225977, Zhao2023[paper])

Fulgent Genetics
Classification: Likely pathogenic for Cataract 41; Type 2 diabetes mellitus; Wolfram syndrome 1; Autosomal dominant nonsyndromic hearing loss 6; Wolfram-like syndrome. Last evaluated: 2024-06-06. Review status: criteria provided, single submitter. Criteria: ACMG Guidelines, 2015. Collection method: clinical testing. Allele origin: germline.

Women's Health and Genetics/Laboratory Corporation of America, LabCorp
Classification: Pathogenic for Wolfram syndrome 1. Last evaluated: 2023-02-03. Review status: criteria provided, single submitter. Criteria: LabCorp Variant Classification Summary - May 2015. Collection method: clinical testing. Allele origin: germline.
Comment: Variant summary: WFS1 c.2486T>C (p.Leu829Pro) results in a non-conservative amino acid change located in the Wolframin, OB-fold domain (IPR045461) of the encoded protein sequence. Five of five in-silico tools predict a damaging effect of the variant on protein function. The variant was absent in 248518 control chromosomes (gnomAD). c.2486T>C has been reported in the literature in the heterozygous state in multiple individuals affected Autosomal Dominant Nonsyndromic Sensorineural Heaing Loss (e.g. Bespalova_2001, Sloan-Heggen_2016, Lusk_2020) and in the compound heterozygous state in at least two individuals with Wolfram Syndrome (Lusk_2020). These data indicate that the variant is very likely to be associated with disease. To our knowledge, no experimental evidence demonstrating an impact on protein function has been reported. Three ClinVar submitters have assessed the variant since 2014: all three classified the variant as likely pathogenic. Based on the evidence outlined above, the variant was classified as pathogenic.

Ambry Genetics
Classification: Likely pathogenic for Inborn genetic diseases. Last evaluated: 2019-10-04. Review status: criteria provided, single submitter. Criteria: Ambry exome assertion method (8-5-2015). Collection method: clinical testing. Allele origin: germline. Affected: yes. Observed: 1 variant allele.

Eurofins Ntd Llc (ga)
Classification: Likely pathogenic. Last evaluated: 2016-11-02. Review status: criteria provided, single submitter. Criteria: EGL Classification Definitions 2015. Collection method: clinical testing. Allele origin: germline. Observed: 2 variant alleles, 2 heterozygotes.

Precision Medicine Center, Zhengzhou University
Classification: Likely pathogenic for Autosomal dominant nonsyndromic hearing loss 6. Last evaluated: 2006-06-30. Review status: criteria provided, single submitter. Criteria: ClinGen HL ACMG Specifications v1. Collection method: clinical testing. Allele origin: paternal. Affected: yes.
Comment: PP1_strong+PM2+PP3+PS4_supporting+PP4: The WFS1 c.2486T>C variant is absent or extremely rare in population databases, including gnomAD, supporting its rarity in the general population (PM2). Multiple in silico prediction algorithms consistently predict that this missense variant has a deleterious effect on protein function (PP3). The variant was identified in individuals presenting with a phenotype highly specific for WFS1-related hearing loss, supporting phenotype specificity (PP4). In addition, the variant co-segregated with hearing loss across multiple affected family members, providing strong evidence of segregation (PMID: 17492394) (PP1_Strong). The variant has also been identified in multiple unrelated affected individuals, providing supporting evidence for an increased prevalence in affected individuals compared with controls(PMID: 17492394) (PS4_Supporting). Based on the ACMG/AMP guidelines, this variant meets the criteria PP1_Strong, PM2, PS4_Supporting, PP3, and PP4, and is classified as Likely Pathogenic.

OMIM
Classification: Pathogenic for DEAFNESS, AUTOSOMAL DOMINANT 6. Last evaluated: 2001-10-15. Review status: no assertion criteria provided. Collection method: literature only. Allele origin: germline. Not counted in ClinVar's aggregate classification.

Literature cited by the submitters: PubMed 11709537 (cited by 5 submitters); PubMed 17492394 (cited by Labcorp Genetics (formerly Invitae), Labcorp and Precision Medicine Center, Zhengzhou University); PubMed 31363008 (cited by 3 submitters); PubMed 26969326 (cited by Women's Health and Genetics/Laboratory Corporation of America, LabCorp).